The following is an entry in ClinVar:

ClinVar aggregate classification (germline): Uncertain significance (1 of 4 stars; one submission).

Allele frequency attached by ClinVar (database versions not stated): gnomAD exomes below 0.00001.
gnomAD v4.1: 1 of 1,614,130 alleles (0.000062%); highest among the groups gnomAD compares: Non-Finnish European, 0.000085%; no homozygotes.

Submission:

Labcorp Genetics (formerly Invitae), Labcorp
Classification: Uncertain significance. Last evaluated: 2024-05-15. Review status: criteria provided, single submitter. Criteria: Invitae Variant Classification Sherloc (09022015). Collection method: clinical testing. Allele origin: germline.
Comment: This sequence change falls in intron 31 of the MYH3 gene. It does not directly change the encoded amino acid sequence of the MYH3 protein. It affects a nucleotide within the consensus splice site. This variant is not present in population databases (gnomAD no frequency). This variant has not been reported in the literature in individuals affected with MYH3-related conditions. Variants that disrupt the consensus splice site are a relatively common cause of aberrant splicing (PMID: 17576681, 9536098). Algorithms developed to predict the effect of sequence changes on RNA splicing suggest that this variant may disrupt the consensus splice site. In summary, the available evidence is currently insufficient to determine the role of this variant in disease. Therefore, it has been classified as a Variant of Uncertain Significance.

Literature cited by the submitters: PubMed 17576681; PubMed 9536098.

NM_002470.4(MYH3):c.4356+5G>T

Gene: MYH3 (myosin heavy chain 3; minus strand). Cytogenetic location: 17p13.1.
Variant type: single nucleotide variant.
Coding change: c.4356+5G>T on transcript NM_002470.4 (MANE Select); 5 bases into the intron after coding-DNA position 4356, G replaced by T.
Molecular consequence: intron variant.
Genome position (GRCh38, 1-based): chr17:10,634,835, C>A on the plus strand (G>T on the coding strand, the complement: MYH3 is on the minus strand). VCF-style: chr17-10634835-C-A. GRCh37 (hg19) VCF-style: chr17-10538152-C-A.
Identifiers: ClinVar variation 2811565 (VCV002811565.3), dbSNP rs2508580553, ClinGen allele CA2636106745.
Genomic context (GRCh38, chr17:10,634,835, plus strand): 5'-CCTTCCACGGCTGCTAGGAATCCCTTACATCATGGCATTCACCCAGCACACAGCGGACCC[C>A]ACACCTTGTCAAAGTTCCTCTGCTTCTTGTCCAGAGCGGCGGCCAAGGAATTGGCTCTTT-3'